The following is an entry in ClinVar:

ClinVar aggregate classification (germline): Uncertain significance (1 of 4 stars; one submission).

Conditions:
Hereditary spastic paraplegia 11. Also called: Nakamura Osame syndrome; Autosomal recessive hereditary spastic paraplegia, mental impairment, and thin corpus callosum; SPASTIC PARAPLEGIA, AUTOSOMAL RECESSIVE, COMPLICATED, WITH THIN CORPUS CALLOSUM; SPASTIC PARAPLEGIA, AUTOSOMAL RECESSIVE, WITH MENTAL IMPAIRMENT AND THIN CORPUS CALLOSUM; Spastic Paraplegia 11; Spastic paraplegia, mental retardation and thin corpus callosum. Identifiers: Orphanet 2822, MedGen C1858479, MONDO:0011445, OMIM 604360.

Allele frequency attached by ClinVar (database versions not stated): gnomAD exomes 0.00001.
gnomAD v4.1: 3 of 1,612,232 alleles (0.00019%); highest among the groups gnomAD compares: South Asian, 0.0033%; 1 homozygote.

Submission:

Labcorp Genetics (formerly Invitae), Labcorp
Classification: Uncertain significance for Hereditary spastic paraplegia 11. Last evaluated: 2022-07-21. Review status: criteria provided, single submitter. Criteria: Invitae Variant Classification Sherloc (09022015). Collection method: clinical testing. Allele origin: germline.
Comment: This variant has not been reported in the literature in individuals affected with SPG11-related conditions. Algorithms developed to predict the effect of sequence changes on RNA splicing suggest that this variant may create or strengthen a splice site. In summary, the available evidence is currently insufficient to determine the role of this variant in disease. Therefore, it has been classified as a Variant of Uncertain Significance. This variant is not present in population databases (gnomAD no frequency). This sequence change affects codon 771 of the SPG11 mRNA. It is a 'silent' change, meaning that it does not change the encoded amino acid sequence of the SPG11 protein.

NM_025137.4(SPG11):c.2313T>C (p.Phe771=)

Gene: SPG11 (SPG11 vesicle trafficking associated, spatacsin; minus strand). Cytogenetic location: 15q21.1.
Variant type: single nucleotide variant.
Coding change: c.2313T>C on transcript NM_025137.4 (MANE Select); coding-DNA position 2313, T replaced by C.
Protein change: p.Phe771=; no amino-acid change (phenylalanine 771 retained).
Molecular consequence: synonymous variant.
Genome position (GRCh38, 1-based): chr15:44,622,731, A>G on the plus strand (T>C on the coding strand, the complement: SPG11 is on the minus strand). VCF-style: chr15-44622731-A-G. GRCh37 (hg19) VCF-style: chr15-44914929-A-G.
Other names: c.2313T>C, p.Phe771= (NM_001160227.2, NM_001411132.1).
Identifiers: ClinVar variation 2009921 (VCV002009921.4), dbSNP rs2505562930, ClinGen allele CA490204984.